The following is an entry in ClinVar:

ClinVar aggregate classification (germline): Uncertain significance. Review status: criteria provided, multiple submitters, no conflicts (2 of 4 stars). 2 submissions from 2 submitters: Uncertain significance (2). Last evaluated 2025-07-06.

gnomAD v4.1: 3 of 1,614,054 alleles (0.00019%); highest among the groups gnomAD compares: Non-Finnish European, 0.00025%; no homozygotes.

Submissions (2):

Labcorp Genetics (formerly Invitae), Labcorp
Classification: Uncertain significance. Last evaluated: 2025-07-06. Review status: criteria provided, single submitter. Criteria: Invitae Variant Classification Sherloc (09022015). Collection method: clinical testing. Allele origin: germline.
Comment: This sequence change replaces valine, which is neutral and non-polar, with leucine, which is neutral and non-polar, at codon 122 of the SLC1A2 protein (p.Val122Leu). This variant is not present in population databases (gnomAD no frequency). This variant has not been reported in the literature in individuals affected with SLC1A2-related conditions. ClinVar contains an entry for this variant (Variation ID: 3363685). Invitae Evidence Modeling of protein sequence and biophysical properties (such as structural, functional, and spatial information, amino acid conservation, physicochemical variation, residue mobility, and thermodynamic stability) indicates that this missense variant is not expected to disrupt SLC1A2 protein function with a negative predictive value of 80%. In summary, the available evidence is currently insufficient to determine the role of this variant in disease. Therefore, it has been classified as a Variant of Uncertain Significance.

GeneDx
Classification: Uncertain significance. Last evaluated: 2023-10-31. Review status: criteria provided, single submitter. Criteria: GeneDx Variant Classification Process June 2021. Collection method: clinical testing. Allele origin: germline. Affected: yes.
Comment: Not observed at significant frequency in large population cohorts (gnomAD); In silico analysis supports that this missense variant does not alter protein structure/function; Has not been previously published as pathogenic or benign to our knowledge

NM_004171.4(SLC1A2):c.364G>T (p.Val122Leu)

Gene: SLC1A2 (solute carrier family 1 member 2; minus strand). Cytogenetic location: 11p13.
Variant type: single nucleotide variant.
Coding change: c.364G>T on transcript NM_004171.4 (MANE Select); coding-DNA position 364, G replaced by T.
Protein change: p.Val122Leu; replaces valine 122 with leucine.
Molecular consequence: missense variant.
Genome position (GRCh38, 1-based): chr11:35,312,395, C>A on the plus strand (G>T on the coding strand, the complement: SLC1A2 is on the minus strand). VCF-style: chr11-35312395-C-A. GRCh37 (hg19) VCF-style: chr11-35333942-C-A.
Other names: c.337G>T, p.Val113Leu (NM_001195728.3, NM_001252652.2); short protein forms V113L, V122L.
Identifiers: ClinVar variation 3363685 (VCV003363685.2).